The following is an entry in ClinVar:

NM_001042492.3(NF1):c.7174G>A (p.Gly2392Arg)

Gene: NF1 (neurofibromin 1; plus strand). Cytogenetic location: 17q11.2.
Variant type: single nucleotide variant.
Coding change: c.7174G>A on transcript NM_001042492.3 (MANE Select); coding-DNA position 7174, G replaced by A.
Protein change: p.Gly2392Arg; replaces glycine 2392 with arginine.
Molecular consequence: missense variant.
Genome position (GRCh38, 1-based): chr17:31,343,120, G>A. VCF-style: chr17-31343120-G-A. GRCh37 (hg19) VCF-style: chr17-29670138-G-A.
Other names: c.7111G>A, p.Gly2371Arg (NM_000267.4); short protein forms G2371R, G2392R.
Identifiers: ClinVar variation 1757229 (VCV001757229.3), dbSNP rs1357330262, ClinGen allele CA399015755.

ClinVar aggregate classification (germline): Uncertain significance. Review status: criteria provided, multiple submitters, no conflicts (2 of 4 stars). 2 submissions from 2 submitters: Uncertain significance (2). Last evaluated 2025-08-28.

Conditions:
Neurofibromatosis, type 1 (NF1). Also called: Peripheral type neurofibromatosis; VON RECKLINGHAUSEN DISEASE; NEUROFIBROMATOSIS, TYPE I, SOMATIC; Neurofibromatosis, type I. Identifiers: Orphanet 636, MedGen C0027831, MONDO:0018975, OMIM 162200. Disease mechanism: loss of function.
Cardiovascular phenotype. Identifiers: MedGen CN230736.
Hereditary cancer-predisposing syndrome. Also called: Neoplastic Syndromes, Hereditary; Tumor predisposition; Hereditary neoplastic syndrome; Hereditary Cancer Syndrome. Identifiers: Orphanet 140162, MedGen C0027672, MeSH D009386, MONDO:0015356.

Allele frequency attached by ClinVar (database versions not stated): TOPMed below 0.00001; gnomAD 0.00001.
gnomAD v4.1: 1 of 1,613,398 alleles (0.000062%); highest among the groups gnomAD compares: Non-Finnish European, 0.000085%; no homozygotes.

Submissions (2):

Labcorp Genetics (formerly Invitae), Labcorp
Classification: Uncertain significance for Neurofibromatosis, type 1. Last evaluated: 2025-08-28. Review status: criteria provided, single submitter. Criteria: Invitae Variant Classification Sherloc (09022015). Collection method: clinical testing. Allele origin: germline.
Comment: This sequence change replaces glycine, which is neutral and non-polar, with arginine, which is basic and polar, at codon 2371 of the NF1 protein (p.Gly2371Arg). This variant is not present in population databases (gnomAD no frequency). This variant has not been reported in the literature in individuals affected with NF1-related conditions. ClinVar contains an entry for this variant (Variation ID: 1757229). Invitae Evidence Modeling of protein sequence and biophysical properties (such as structural, functional, and spatial information, amino acid conservation, physicochemical variation, residue mobility, and thermodynamic stability) indicates that this missense variant is expected to disrupt NF1 protein function with a positive predictive value of 95%. In summary, the available evidence is currently insufficient to determine the role of this variant in disease. Therefore, it has been classified as a Variant of Uncertain Significance.

Ambry Genetics
Classification: Uncertain significance for Cardiovascular phenotype; Hereditary cancer-predisposing syndrome. Last evaluated: 2023-04-27. Review status: criteria provided, single submitter. Criteria: Ambry Variant Classification Scheme 2023. Collection method: clinical testing. Allele origin: germline.
Comment: The p.G2371R variant (also known as c.7111G>A), located in coding exon 47 of the NF1 gene, results from a G to A substitution at nucleotide position 7111. The glycine at codon 2371 is replaced by arginine, an amino acid with dissimilar properties. This amino acid position is conserved. In addition, this alteration is predicted to be deleterious by in silico analysis. Since supporting evidence is limited at this time, the clinical significance of this alteration remains unclear.